The following is an entry in ClinVar:

ClinVar aggregate classification (germline): Uncertain significance (1 of 4 stars; one submission).

Conditions:
Familial thoracic aortic aneurysm and aortic dissection (TAAD). Also called: Thoracic aortic aneurysms and dissections. Identifiers: Orphanet 91387, MedGen C4707243, MONDO:0019625.

Submission:

Ambry Genetics
Classification: Uncertain significance for Familial thoracic aortic aneurysm and aortic dissection. Last evaluated: 2022-07-14. Review status: criteria provided, single submitter. Criteria: Ambry Variant Classification Scheme 2023. Collection method: clinical testing. Allele origin: germline.
Comment: The p.F1825S variant (also known as c.5474T>C), located in coding exon 30 of the NOTCH1 gene, results from a T to C substitution at nucleotide position 5474. The phenylalanine at codon 1825 is replaced by serine, an amino acid with highly dissimilar properties. This amino acid position is conserved. In addition, this alteration is predicted to be tolerated by in silico analysis. Since supporting evidence is limited at this time, the clinical significance of this alteration remains unclear.

NM_017617.5(NOTCH1):c.5474T>C (p.Phe1825Ser)

Gene: NOTCH1 (notch receptor 1; minus strand). Cytogenetic location: 9q34.3.
Variant type: single nucleotide variant.
Coding change: c.5474T>C on transcript NM_017617.5 (MANE Select); coding-DNA position 5474, T replaced by C.
Protein change: p.Phe1825Ser; replaces phenylalanine 1825 with serine.
Molecular consequence: missense variant.
Genome position (GRCh38, 1-based): chr9:136,501,912, A>G on the plus strand (T>C on the coding strand, the complement: NOTCH1 is on the minus strand). VCF-style: chr9-136501912-A-G. GRCh37 (hg19) VCF-style: chr9-139396364-A-G.
Other names: short protein forms F1825S.
Identifiers: ClinVar variation 1747760 (VCV001747760.2), dbSNP rs2133329330, ClinGen allele CA375639635.